The following is an entry in ClinVar:

NM_000632.4(ITGAM):c.1669G>A (p.Gly557Arg)

Gene: ITGAM (integrin subunit alpha M; plus strand). Cytogenetic location: 16p11.2.
Variant type: single nucleotide variant.
Coding change: c.1669G>A on transcript NM_000632.4 (MANE Select); coding-DNA position 1669, G replaced by A.
Protein change: p.Gly557Arg; replaces glycine 557 with arginine.
Molecular consequence: missense variant.
Genome position (GRCh38, 1-based): chr16:31,297,916, G>A. VCF-style: chr16-31297916-G-A. GRCh37 (hg19) VCF-style: chr16-31309237-G-A.
Other names: c.1672G>A, p.Gly558Arg (NM_001145808.2); short protein forms G557R, G558R.
Identifiers: ClinVar variation 2966122 (VCV002966122.3), dbSNP rs199951990, ClinGen allele CA8025621.
Genomic context (GRCh38, chr16:31,297,916, plus strand): 5'-GACGTGGCCATTGGGGCCCCAGGAGAGGAGGACAACCGGGGTGCTGTTTACCTGTTTCAC[G>A]GAACCTCAGGATCTGGCATCAGCCCCTCCCATAGCCAGGTGAGACCTGGTCACTGTCCTT-3'
Protein context (NP_000623.2, residues 547-567): DNRGAVYLFH[Gly557Arg]TSGSGISPSH

ClinVar aggregate classification (germline): Uncertain significance (1 of 4 stars; one submission).

Allele frequency attached by ClinVar (database versions not stated): gnomAD exomes 0.00003; gnomAD 0.00003; ESP Exome Variant Server 0.00008; ExAC 0.00003; TOPMed 0.00003.
gnomAD v4.1: 52 of 1,613,748 alleles (0.0032%); highest among the groups gnomAD compares: African/African-American, 0.0067%; no homozygotes.

Submission:

Labcorp Genetics (formerly Invitae), Labcorp
Classification: Uncertain significance. Last evaluated: 2025-07-10. Review status: criteria provided, single submitter. Criteria: Invitae Variant Classification Sherloc (09022015). Collection method: clinical testing. Allele origin: germline.
Comment: This sequence change replaces glycine, which is neutral and non-polar, with arginine, which is basic and polar, at codon 557 of the ITGAM protein (p.Gly557Arg). This variant is present in population databases (rs199951990, gnomAD 0.004%). This variant has not been reported in the literature in individuals affected with ITGAM-related conditions. ClinVar contains an entry for this variant (Variation ID: 2966122). An algorithm developed to predict the effect of missense changes on protein structure and function (PolyPhen-2) suggests that this variant is likely to be disruptive. In summary, the available evidence is currently insufficient to determine the role of this variant in disease. Therefore, it has been classified as a Variant of Uncertain Significance.